The following is an entry in ClinVar:

NM_001366207.1(DLG1):c.1191T>C (p.His397=)

Gene: DLG1 (discs large MAGUK scaffold protein 1; minus strand). Cytogenetic location: 3q29.
Variant type: single nucleotide variant.
Coding change: c.1191T>C on transcript NM_001366207.1 (MANE Select); coding-DNA position 1191, T replaced by C.
Protein change: p.His397=; no amino-acid change (histidine 397 retained).
Molecular consequence: synonymous variant. On other transcripts: non-coding transcript variant (4).
Genome position (GRCh38, 1-based): chr3:197,119,505, A>G on the plus strand (T>C on the coding strand, the complement: DLG1 is on the minus strand). VCF-style: chr3-197119505-A-G. GRCh37 (hg19) VCF-style: chr3-196846376-A-G.
Other names: c.1290T>C, p.His430= (NM_001098424.1, NM_001290983.2, NM_001366214.1 and 2 more transcripts); c.1191T>C, p.His397= (NM_001204386.1, NM_001363865.1, NM_001366204.1 and 9 more transcripts); c.942T>C, p.His314= (NM_001204387.2, NM_001204388.2); c.1137T>C, p.His379= (NM_001366203.1, NM_001366206.1, NM_001366216.1 and 2 more transcripts); c.1041T>C, p.His347= (NM_001366221.1, NM_001366222.1).
Identifiers: ClinVar variation 3040497 (VCV003040497.2), dbSNP rs199875499, ClinGen allele CA2785529.
Genomic context (GRCh38, chr3:197,119,505, plus strand): 5'-AACTGGGGAGTATCTGGCTGGAGATGCTGGTGTCTGGCCCAAGAAGGAAGATGGGCTAAC[A>G]TGGTTATCAACAGGCTGAGAAGAAGCTTCAAAATAAACAAAGTGAAAAATACTTCAAACA-3'
Protein context (NP_001353136.1, residues 387-407): TNSSSQPVDN[His397=]VSPSSFLGQT

ClinVar aggregate classification (germline): Likely benign (0 of 4 stars; one submission).

Conditions:
DLG1-related disorder. Also called: DLG1-related condition.

Allele frequency attached by ClinVar (database versions not stated): gnomAD exomes 0.00009; TOPMed 0.00016; gnomAD 0.00023; ExAC 0.00037; 1000 Genomes Project 30x 0.00250; 1000 Genomes Project 0.00260.
gnomAD v4.1: 169 of 1,610,988 alleles (0.01%); highest among the groups gnomAD compares: East Asian, 0.35%; 1 homozygote.

Submission:

PreventionGenetics, part of Exact Sciences
Classification: Likely benign for DLG1-related condition. Last evaluated: 2023-12-27. Review status: no assertion criteria provided. Collection method: clinical testing. Allele origin: germline.
Comment: This variant is classified as likely benign based on ACMG/AMP sequence variant interpretation guidelines (Richards et al. 2015 PMID: 25741868, with internal and published modifications).